The following is an entry in ClinVar:

ClinVar aggregate classification (germline): Uncertain significance. Review status: criteria provided, multiple submitters, no conflicts (2 of 4 stars). 5 submissions from 5 submitters: Uncertain significance (4). 1 of the submissions does not count toward it. Last evaluated 2025-10-24.

Conditions:
Inborn genetic diseases. Identifiers: MedGen C0950123, MeSH D030342.
Usher syndrome type 1 (USH1). Also called: RETINITIS PIGMENTOSA AND CONGENITAL DEAFNESS. Identifiers: Orphanet 231169, Orphanet 886, MedGen C1568247, MONDO:0010168, OMIM 276900.
Autosomal recessive nonsyndromic hearing loss 12. Also called: DEAFNESS, AUTOSOMAL RECESSIVE 12. Identifiers: Orphanet 90636, MedGen C1832394, MONDO:0011067, OMIM 601386.
Usher syndrome type 1D (USH1D). Also called: USHER SYNDROME, TYPE ID. Identifiers: Orphanet 231169, Orphanet 886, MedGen C1832845, MONDO:0010984, OMIM 601067.
Pituitary adenoma 5, multiple types. Identifiers: MedGen C4539685, MONDO:0054601, OMIM 617540.

Allele frequency attached by ClinVar (database versions not stated): TOPMed 0.00006; gnomAD 0.00007 and 0.00008; ESP Exome Variant Server 0.00008.
gnomAD v4.1: 19 of 1,613,860 alleles (0.0012%); highest among the groups gnomAD compares: African/African-American, 0.017%; no homozygotes.

Submissions (5):

Ambry Genetics
Classification: Uncertain significance for Inborn genetic diseases. Last evaluated: 2025-10-24. Review status: criteria provided, single submitter. Criteria: Ambry Variant Classification Scheme 2023. Collection method: clinical testing. Allele origin: germline.

Labcorp Genetics (formerly Invitae), Labcorp
Classification: Uncertain significance. Last evaluated: 2022-09-13. Review status: criteria provided, single submitter. Criteria: Invitae Variant Classification Sherloc (09022015). Collection method: clinical testing. Allele origin: germline.
Comment: This sequence change replaces valine, which is neutral and non-polar, with methionine, which is neutral and non-polar, at codon 3013 of the CDH23 protein (p.Val3013Met). This variant is present in population databases (rs369776863, gnomAD 0.02%). This variant has not been reported in the literature in individuals affected with CDH23-related conditions. ClinVar contains an entry for this variant (Variation ID: 860357). Advanced modeling of protein sequence and biophysical properties (such as structural, functional, and spatial information, amino acid conservation, physicochemical variation, residue mobility, and thermodynamic stability) performed at Invitae indicates that this missense variant is not expected to disrupt CDH23 protein function. In summary, the available evidence is currently insufficient to determine the role of this variant in disease. Therefore, it has been classified as a Variant of Uncertain Significance.

Blueprint Genetics
Classification: Uncertain significance. Last evaluated: 2021-10-15. Review status: criteria provided, single submitter. Criteria: ACMG Guidelines, 2015. Collection method: clinical testing. Allele origin: germline.

Fulgent Genetics
Classification: Uncertain significance for Usher syndrome type 1D; Autosomal recessive nonsyndromic hearing loss 12; Pituitary adenoma 5, multiple types. Last evaluated: 2021-07-15. Review status: criteria provided, single submitter. Criteria: ACMG Guidelines, 2015. Collection method: clinical testing. Allele origin: unknown.

Natera, Inc.
Classification: Uncertain significance for Usher syndrome type 1. Last evaluated: 2020-09-21. Review status: no assertion criteria provided. Collection method: clinical testing. Allele origin: germline. Not counted in ClinVar's aggregate classification.

NM_022124.6(CDH23):c.9037G>A (p.Val3013Met)

Gene: CDH23 (cadherin related 23; plus strand). Cytogenetic location: 10q22.1.
Variant type: single nucleotide variant.
Coding change: c.9037G>A on transcript NM_022124.6 (MANE Select); coding-DNA position 9037, G replaced by A.
Protein change: p.Val3013Met; replaces valine 3013 with methionine.
Molecular consequence: missense variant.
Genome position (GRCh38, 1-based): chr10:71,810,529, G>A. VCF-style: chr10-71810529-G-A. GRCh37 (hg19) VCF-style: chr10-73570286-G-A.
Other names: c.2317G>A, p.Val773Met (NM_001171933.1, NM_001171934.1); short protein forms V773M, V3013M.
Identifiers: ClinVar variation 860357 (VCV000860357.8), dbSNP rs369776863, ClinGen allele CA5546839.
Genomic context (GRCh38, chr10:71,810,529, plus strand): 5'-TAGTTCCATGTGGACAAGAAGGGCCGGGTGAACTTTGCGCAGACAGAACTGCTTATCCAC[G>A]TGGTGAACCGCGATACCAACCGCATCCTGGACGTGGACCGGTGAGTCGGGGCCTGTGTTT-3'
Protein context (NP_071407.4, residues 3003-3023): NFAQTELLIH[Val3013Met]VNRDTNRILD